The following is an entry in ClinVar:

ClinVar aggregate classification (germline): Conflicting classifications of pathogenicity. Review status: criteria provided, conflicting classifications (1 of 4 stars). 2 submissions from 1 submitter: Uncertain significance (1); Likely benign (1). Last evaluated 2018-01-13.

Conditions:
Autosomal recessive nonsyndromic hearing loss 7. Also called: DEAFNESS, AUTOSOMAL RECESSIVE 11. Identifiers: Orphanet 90636, MedGen C1832978, MONDO:0010967, OMIM 600974.
Autosomal dominant nonsyndromic hearing loss 36. Identifiers: Orphanet 90635, MedGen C1847626, MONDO:0011708, OMIM 606705.

Allele frequency attached by ClinVar (database versions not stated): TOPMed 0.00011; 1000 Genomes Project 0.00020; gnomAD 0.00020 and 0.00021; gnomAD exomes 0.00025 and 0.00031; 1000 Genomes Project 30x 0.00031; ExAC 0.00102.
gnomAD v4.1: 128 of 455,702 alleles (0.028%); highest among the groups gnomAD compares: South Asian, 0.1%; no homozygotes.

Submissions (2):

Illumina Laboratory Services, Illumina
Classification: Likely benign for Autosomal dominant nonsyndromic hearing loss 36. Last evaluated: 2018-01-13. Review status: criteria provided, single submitter. Criteria: ICSL Variant Classification Criteria 13 December 2019. Collection method: clinical testing. Allele origin: germline.
Comment: This variant was observed in the ICSL laboratory as part of a predisposition screen in an ostensibly healthy population. It had not been previously curated by ICSL or reported in the Human Gene Mutation Database (HGMD: prior to June 1st, 2018), and was therefore a candidate for classification through an automated scoring system. Utilizing variant allele frequency, disease prevalence and penetrance estimates, and inheritance mode, an automated score was calculated to assess if this variant is too frequent to cause the disease. Based on the score and internal cut-off values, a variant classified as likely benign is not then subjected to further curation. The score for this variant resulted in a classification of likely benign for this disease.

Illumina Laboratory Services, Illumina
Classification: Uncertain significance for Autosomal recessive nonsyndromic hearing loss 7. Last evaluated: 2018-01-13. Review status: criteria provided, single submitter. Criteria: ICSL Variant Classification Criteria 13 December 2019. Collection method: clinical testing. Allele origin: germline.

NM_138691.3(TMC1):c.-124T>C

Gene: TMC1 (transmembrane channel like 1; plus strand). Cytogenetic location: 9q21.13.
Variant type: single nucleotide variant.
Coding change: c.-124T>C on transcript NM_138691.3 (MANE Select); 124 bases upstream of the start codon, T replaced by C.
Molecular consequence: 5 prime UTR variant.
Genome position (GRCh38, 1-based): chr9:72,627,992, T>C. VCF-style: chr9-72627992-T-C. GRCh37 (hg19) VCF-style: chr9-75242908-T-C.
Identifiers: ClinVar variation 367251 (VCV000367251.5), dbSNP rs533837914, ClinGen allele CA5081533.
Genomic context (GRCh38, chr9:72,627,992, plus strand): 5'-CCTCAAAAATGGAAAACCCCCTGTGCTTCACATCTGAAAATCTCTGCTGGGGGCAGCAAC[T>C]TTGAGCCTGTGGGGAAGGAACTGTCCACGTGGAGTGGTCTGGTGAATGCTTAAGGAGCTG-3'